The following is an entry in ClinVar:

NM_004655.4(AXIN2):c.1748G>A (p.Gly583Glu)

Gene: AXIN2 (axin 2; minus strand). Cytogenetic location: 17q24.1.
Variant type: single nucleotide variant.
Coding change: c.1748G>A on transcript NM_004655.4 (MANE Select); coding-DNA position 1748, G replaced by A.
Protein change: p.Gly583Glu; replaces glycine 583 with glutamic acid.
Molecular consequence: missense variant. On other transcripts: intron variant (1).
Genome position (GRCh38, 1-based): chr17:65,537,028, C>T on the plus strand (G>A on the coding strand, the complement: AXIN2 is on the minus strand). VCF-style: chr17-65537028-C-T. GRCh37 (hg19) VCF-style: chr17-63533146-C-T.
Other names: c.1712+296G>A (NM_001363813.1); short protein forms G583E.
Identifiers: ClinVar variation 847204 (VCV000847204.16), dbSNP rs777186938, ClinGen allele CA8718536.

ClinVar aggregate classification (germline): Conflicting classifications of pathogenicity. Review status: criteria provided, conflicting classifications (1 of 4 stars). 3 submissions from 3 submitters: Uncertain significance (2); Likely benign (1). Last evaluated 2025-03-04.

Conditions:
Hereditary cancer-predisposing syndrome. Also called: Tumor predisposition; Hereditary neoplastic syndrome; Neoplastic Syndromes, Hereditary; Hereditary Cancer Syndrome. Identifiers: Orphanet 140162, MedGen C0027672, MeSH D009386, MONDO:0015356.
Oligodontia-cancer predisposition syndrome. Also called: TOOTH AGENESIS-COLORECTAL CANCER SYNDROME. Identifiers: Orphanet 300576, MedGen C1837750, MONDO:0012075, OMIM 608615. Disease mechanism: loss of function.

Allele frequency attached by ClinVar (database versions not stated): gnomAD exomes 0.00001; ExAC 0.00002.
gnomAD v4.1: 7 of 1,609,804 alleles (0.00043%); highest among the groups gnomAD compares: South Asian, 0.0022%; no homozygotes.

Submissions (3):

Center for Genomic Medicine, Rigshospitalet, Copenhagen University Hospital
Classification: Uncertain significance. Last evaluated: 2025-03-04. Review status: criteria provided, single submitter. Criteria: ACMG Guidelines, 2015. Collection method: clinical testing. Allele origin: germline.

Ambry Genetics
Classification: Likely benign for Hereditary cancer-predisposing syndrome. Last evaluated: 2024-07-08. Review status: criteria provided, single submitter. Criteria: Ambry Variant Classification Scheme 2023. Collection method: clinical testing. Allele origin: germline.

Labcorp Genetics (formerly Invitae), Labcorp
Classification: Uncertain significance for Oligodontia-cancer predisposition syndrome. Last evaluated: 2023-11-13. Review status: criteria provided, single submitter. Criteria: Invitae Variant Classification Sherloc (09022015). Collection method: clinical testing. Allele origin: germline.
Comment: This sequence change replaces glycine, which is neutral and non-polar, with glutamic acid, which is acidic and polar, at codon 583 of the AXIN2 protein (p.Gly583Glu). This variant is present in population databases (rs777186938, gnomAD 0.003%). This variant has not been reported in the literature in individuals affected with AXIN2-related conditions. ClinVar contains an entry for this variant (Variation ID: 847204). Advanced modeling of protein sequence and biophysical properties (such as structural, functional, and spatial information, amino acid conservation, physicochemical variation, residue mobility, and thermodynamic stability) performed at Invitae indicates that this missense variant is not expected to disrupt AXIN2 protein function with a negative predictive value of 80%. In summary, the available evidence is currently insufficient to determine the role of this variant in disease. Therefore, it has been classified as a Variant of Uncertain Significance.